The following is an entry in ClinVar:

NM_000494.4(COL17A1):c.915T>G (p.Tyr305Ter)

Gene: COL17A1 (collagen type XVII alpha 1 chain; minus strand). Cytogenetic location: 10q25.1.
Variant type: single nucleotide variant.
Coding change: c.915T>G on transcript NM_000494.4 (MANE Select); coding-DNA position 915, T replaced by G.
Protein change: p.Tyr305Ter; replaces tyrosine 305 with a stop codon.
Molecular consequence: nonsense.
Genome position (GRCh38, 1-based): chr10:104,061,469, A>C on the plus strand (T>G on the coding strand, the complement: COL17A1 is on the minus strand). VCF-style: chr10-104061469-A-C. GRCh37 (hg19) VCF-style: chr10-105821227-A-C.
Other names: short protein forms Y305*.
Identifiers: ClinVar variation 2756978 (VCV002756978.3), dbSNP rs2493355998, ClinGen allele CA378076315.
Genomic context (GRCh38, chr10:104,061,469, plus strand): 5'-GGAGGTGGAAACGCCAGTGTTCACAGCCGCAGGACTCTGGGGCATGTTTTTCTTCACCCC[A>C]TATGCTGCAAGAAAGGAAGCTGGGTCAGCATGGGAGGGTGGTTCCAGGTGACTCAGGAGA-3'

ClinVar aggregate classification (germline): Pathogenic (1 of 4 stars; one submission).

Allele frequency attached by ClinVar (database versions not stated): gnomAD exomes below 0.00001.
gnomAD v4.1: 1 of 1,613,190 alleles (0.000062%); highest among the groups gnomAD compares: Non-Finnish European, 0.000085%; no homozygotes.

Submission:

Labcorp Genetics (formerly Invitae), Labcorp
Classification: Pathogenic. Last evaluated: 2023-08-31. Review status: criteria provided, single submitter. Criteria: Invitae Variant Classification Sherloc (09022015). Collection method: clinical testing. Allele origin: germline.
Comment: For these reasons, this variant has been classified as Pathogenic. Algorithms developed to predict the effect of sequence changes on RNA splicing suggest that this variant may create or strengthen a splice site. This variant has not been reported in the literature in individuals affected with COL17A1-related conditions. This variant is not present in population databases (gnomAD no frequency). This sequence change creates a premature translational stop signal (p.Tyr305*) in the COL17A1 gene. It is expected to result in an absent or disrupted protein product. Loss-of-function variants in COL17A1 are known to be pathogenic (PMID: 16473856, 17344927, 20301304, 21357940, 24319098).

Literature cited by the submitters: PubMed 16473856; PubMed 17344927; PubMed 20301304; PubMed 21357940; PubMed 24319098.